The following is an entry in ClinVar:

NM_170682.4(P2RX2):c.1413C>T (p.Leu471=)

Gene: P2RX2 (purinergic receptor P2X 2; plus strand). Cytogenetic location: 12q24.33.
Variant type: single nucleotide variant.
Coding change: c.1413C>T on transcript NM_170682.4 (MANE Select); coding-DNA position 1413, C replaced by T.
Protein change: p.Leu471=; no amino-acid change (leucine 471 retained).
Molecular consequence: synonymous variant. On other transcripts: 3 prime UTR variant (1).
Genome position (GRCh38, 1-based): chr12:132,621,969, C>T. VCF-style: chr12-132621969-C-T. GRCh37 (hg19) VCF-style: chr12-133198555-C-T.
Other names: c.1110C>T, p.Leu370= (NM_001282164.2); c.*460C>T (NM_001282165.2); c.1197C>T, p.Leu399= (NM_012226.5); c.1341C>T, p.Leu447= (NM_016318.4); c.1491C>T, p.Leu497= (NM_170683.4); c.1137C>T, p.Leu379= (NM_174872.3); c.1212C>T, p.Leu404= (NM_174873.3).
Identifiers: ClinVar variation 227831 (VCV000227831.17), dbSNP rs568364905, ClinGen allele CA6891910.

ClinVar aggregate classification (germline): Likely benign. Review status: criteria provided, multiple submitters, no conflicts (2 of 4 stars). 5 submissions from 5 submitters: Likely benign (4). 1 of the submissions does not count toward it. Last evaluated 2026-03-01.

Conditions:
P2RX2-related disorder. Also called: P2RX2-related condition.

Allele frequency attached by ClinVar (database versions not stated): gnomAD 0.00001 and 0.00004; TOPMed 0.00001; ExAC 0.00004; 1000 Genomes Project 30x 0.00016; 1000 Genomes Project 0.00020.
gnomAD v4.1: 48 of 1,613,720 alleles (0.003%); highest among the groups gnomAD compares: South Asian, 0.033%; no homozygotes.

Submissions (5):

CeGaT Center for Human Genetics Tuebingen
Classification: Likely benign. Last evaluated: 2026-03-01. Review status: criteria provided, single submitter. Criteria: CeGaT Center For Human Genetics Tuebingen Variant Classification Criteria Version 2. Collection method: clinical testing. Allele origin: germline. Affected: yes. Observed: 1 variant allele.
Comment: P2RX2: BP4, BP7

Labcorp Genetics (formerly Invitae), Labcorp
Classification: Likely benign. Last evaluated: 2025-03-07. Review status: criteria provided, single submitter. Criteria: Invitae Variant Classification Sherloc (09022015). Collection method: clinical testing. Allele origin: germline.

GeneDx
Classification: Likely benign. Last evaluated: 2020-09-25. Review status: criteria provided, single submitter. Criteria: GeneDx Variant Classification Process June 2021. Collection method: clinical testing. Allele origin: germline. Affected: yes.

Laboratory for Molecular Medicine, Mass General Brigham Personalized Medicine
Classification: Likely benign. Last evaluated: 2016-02-18. Review status: criteria provided, single submitter. Criteria: LMM Criteria. Collection method: clinical testing. Allele origin: germline. Observed: 1 variant allele.
Comment: p.Leu497Leu in exon 10B of P2RX2: This variant is not expected to have clinical significance because it does not alter an amino acid residue and is not located within the splice consensus sequence. It has been identified in 5/24968 Asian ch romosomes by the Exome Aggregation Consortium (ExAC. org; dbSNP rs568364905).

PreventionGenetics, part of Exact Sciences
Classification: Likely benign for P2RX2-related condition. Last evaluated: 2019-04-16. Review status: no assertion criteria provided. Collection method: clinical testing. Allele origin: germline. Not counted in ClinVar's aggregate classification.
Comment: This variant is classified as likely benign based on ACMG/AMP sequence variant interpretation guidelines (Richards et al. 2015 PMID: 25741868, with internal and published modifications).